The following is an entry in ClinVar:

ClinVar aggregate classification (germline): Likely pathogenic (1 of 4 stars; one submission).

Conditions:
Jeune thoracic dystrophy. Also called: Infantile thoracic dystrophy; Thoracic pelvic phalangeal dystrophy; Jeune's syndrome; Chondroectodermal dysplasia-like syndrome; Short-rib thoracic dysplasia; Jeune syndrome. Identifiers: Orphanet 474, MedGen C0265275, MONDO:0018770.

Submission:

Labcorp Genetics (formerly Invitae), Labcorp
Classification: Likely pathogenic for Jeune thoracic dystrophy. Last evaluated: 2023-12-26. Review status: criteria provided, single submitter. Criteria: Invitae Variant Classification Sherloc (09022015). Collection method: clinical testing. Allele origin: germline.
Comment: This sequence change affects an acceptor splice site in intron 81 of the DYNC2H1 gene. It is expected to disrupt RNA splicing. Variants that disrupt the donor or acceptor splice site typically lead to a loss of protein function (PMID: 16199547), and loss-of-function variants in DYNC2H1 are known to be pathogenic (PMID: 23339108, 32753734, 33755199). This variant is not present in population databases (gnomAD no frequency). This variant has not been reported in the literature in individuals affected with DYNC2H1-related conditions. Algorithms developed to predict the effect of sequence changes on RNA splicing suggest that this variant may disrupt the consensus splice site. In summary, the currently available evidence indicates that the variant is pathogenic, but additional data are needed to prove that conclusively. Therefore, this variant has been classified as Likely Pathogenic.

Literature cited by the submitters: PubMed 16199547; PubMed 23339108; PubMed 32753734; PubMed 33755199.

NM_001377.3(DYNC2H1):c.11726-2A>G

Gene: DYNC2H1 (dynein cytoplasmic 2 heavy chain 1; plus strand). Cytogenetic location: 11q22.3.
Variant type: single nucleotide variant.
Coding change: c.11726-2A>G on transcript NM_001377.3 (MANE Select); the canonical splice acceptor site of the intron before coding-DNA position 11726, A replaced by G.
Molecular consequence: splice acceptor variant.
Genome position (GRCh38, 1-based): chr11:103,321,027, A>G. VCF-style: chr11-103321027-A-G. GRCh37 (hg19) VCF-style: chr11-103191756-A-G.
Other names: c.11747-2A>G (NM_001080463.2).
Identifiers: ClinVar variation 2704512 (VCV002704512.3), dbSNP rs2496941500, ClinGen allele CA382268593.